The following is an entry in ClinVar:

ClinVar aggregate classification (germline): Uncertain significance (0 of 4 stars; one submission).

Conditions:
DCTN1-related disorder. Also called: DCTN1-related condition.

gnomAD v4.1: 1 of 1,614,284 alleles (0.000062%); highest among the groups gnomAD compares: Non-Finnish European, 0.000085%; no homozygotes.

Submission:

PreventionGenetics, part of Exact Sciences
Classification: Uncertain significance for DCTN1-related condition. Last evaluated: 2024-08-15. Review status: no assertion criteria provided. Collection method: clinical testing. Allele origin: germline.
Comment: The DCTN1 c.1757C>T variant is predicted to result in the amino acid substitution p.Ser586Phe. To our knowledge, this variant has not been reported in the literature or in a large population database, indicating this variant is rare. At this time, the clinical significance of this variant is uncertain due to the absence of conclusive functional and genetic evidence.

NM_004082.5(DCTN1):c.1757C>T (p.Ser586Phe)

Gene: DCTN1 (dynactin subunit 1; minus strand). Cytogenetic location: 2p13.1.
Variant type: single nucleotide variant.
Coding change: c.1757C>T on transcript NM_004082.5 (MANE Select); coding-DNA position 1757, C replaced by T.
Protein change: p.Ser586Phe; replaces serine 586 with phenylalanine.
Molecular consequence: missense variant. On other transcripts: non-coding transcript variant (1).
Genome position (GRCh38, 1-based): chr2:74,368,825, G>A on the plus strand (C>T on the coding strand, the complement: DCTN1 is on the minus strand). VCF-style: chr2-74368825-G-A. GRCh37 (hg19) VCF-style: chr2-74595952-G-A.
Other names: c.1697C>T, p.Ser566Phe (NM_001135040.3); c.1355C>T, p.Ser452Phe (NM_001135041.3, NM_023019.4); c.1646C>T, p.Ser549Phe (NM_001190836.2); c.1736C>T, p.Ser579Phe (NM_001190837.2); c.1706C>T, p.Ser569Phe (NM_001378991.1); c.1688C>T, p.Ser563Phe (NM_001378992.1); short protein forms S452F, S549F, S563F, S566F, S569F, S579F, S586F.
Identifiers: ClinVar variation 2633799 (VCV002633799.2), dbSNP rs2529139781, ClinGen allele CA347355700.
Genomic context (GRCh38, chr2:74,368,825, plus strand): 5'-ACGCAGTCATGGTCCCCACCTGGCCGAAGGAAGCTGTCAGGCATGAAGGCTGTCAGCAGG[G>A]ACATGTGTCGATTGGCCTGGGCCACCTCCATCTGCCTCAATTCCATCTCAATTGCCTGTG-3'
Protein context (NP_004073.2, residues 576-596): MEVAQANRHM[Ser586Phe]LLTAFMPDSF